The following is an entry in ClinVar:

ClinVar aggregate classification (germline): Uncertain significance. Review status: criteria provided, multiple submitters, no conflicts (2 of 4 stars). 4 submissions from 4 submitters: Uncertain significance (4). Last evaluated 2025-07-31.

Conditions:
Familial cancer of breast. Also called: hereditary breast carcinoma; BREAST CANCER, FAMILIAL; Hereditary breast cancer. Identifiers: Orphanet 227535, MedGen C0346153, MONDO:0016419, OMIM 114480. Disease mechanism: loss of function.
Hereditary cancer-predisposing syndrome. Also called: Tumor predisposition; Hereditary neoplastic syndrome; Hereditary Cancer Syndrome; Neoplastic Syndromes, Hereditary. Identifiers: Orphanet 140162, MedGen C0027672, MeSH D009386, MONDO:0015356.

Submissions (4):

Labcorp Genetics (formerly Invitae), Labcorp
Classification: Uncertain significance for Familial cancer of breast. Last evaluated: 2025-07-31. Review status: criteria provided, single submitter. Criteria: Invitae Variant Classification Sherloc (09022015). Collection method: clinical testing. Allele origin: germline.
Comment: This sequence change replaces threonine, which is neutral and polar, with isoleucine, which is neutral and non-polar, at codon 412 of the PALB2 protein (p.Thr412Ile). This variant is not present in population databases (gnomAD no frequency). This variant has not been reported in the literature in individuals affected with PALB2-related conditions. ClinVar contains an entry for this variant (Variation ID: 3023777). Invitae Evidence Modeling of protein sequence and biophysical properties (such as structural, functional, and spatial information, amino acid conservation, physicochemical variation, residue mobility, and thermodynamic stability) indicates that this missense variant is expected to disrupt PALB2 protein function with a positive predictive value of 80%. In summary, the available evidence is currently insufficient to determine the role of this variant in disease. Therefore, it has been classified as a Variant of Uncertain Significance.

Ambry Genetics
Classification: Uncertain significance for Hereditary cancer-predisposing syndrome. Last evaluated: 2025-05-29. Review status: criteria provided, single submitter. Criteria: Ambry Variant Classification Scheme 2023. Collection method: clinical testing. Allele origin: germline.
Comment: The p.T412I variant (also known as c.1235C>T), located in coding exon 4 of the PALB2 gene, results from a C to T substitution at nucleotide position 1235. The threonine at codon 412 is replaced by isoleucine, an amino acid with similar properties. This amino acid position is conserved. In addition, this alteration is predicted to be tolerated by in silico analysis. Based on the available evidence, the clinical significance of this variant remains unclear.

GeneDx
Classification: Uncertain significance. Last evaluated: 2025-05-01. Review status: criteria provided, single submitter. Criteria: GeneDx Variant Classification Process June 2021. Collection method: clinical testing. Allele origin: germline. Affected: yes.
Comment: Not observed at significant frequency in large population cohorts (gnomAD); In silico analysis supports that this missense variant has a deleterious effect on protein structure/function; Has not been previously published as pathogenic or benign to our knowledge; This variant is associated with the following publications: (PMID: 22193777)

Baylor Genetics
Classification: Uncertain significance for Familial cancer of breast. Last evaluated: 2024-02-06. Review status: criteria provided, single submitter. Criteria: ACMG Guidelines, 2015. Collection method: clinical testing. Allele origin: unknown.

NM_024675.4(PALB2):c.1235C>T (p.Thr412Ile)

Gene: PALB2 (partner and localizer of BRCA2; minus strand). Cytogenetic location: 16p12.2.
Variant type: single nucleotide variant.
Coding change: c.1235C>T on transcript NM_024675.4 (MANE Select); coding-DNA position 1235, C replaced by T.
Protein change: p.Thr412Ile; replaces threonine 412 with isoleucine.
Molecular consequence: missense variant. On other transcripts: intron variant (3).
Genome position (GRCh38, 1-based): chr16:23,635,311, G>A on the plus strand (C>T on the coding strand, the complement: PALB2 is on the minus strand). VCF-style: chr16-23635311-G-A. GRCh37 (hg19) VCF-style: chr16-23646632-G-A.
Other names: c.1175C>T, p.Thr392Ile (NM_001407296.1); c.1235C>T, p.Thr412Ile (NM_001407297.1, NM_001407298.1, NM_001407299.1 and 3 more transcripts); c.350C>T, p.Thr117Ile (NM_001407304.1, NM_001407305.1, NM_001407306.1 and 5 more transcripts); c.48+5799C>T (NM_001407314.1); c.-104-4842C>T (NM_001407313.1, NM_001407312.1); short protein forms T412I, T117I, T392I.
Identifiers: ClinVar variation 3023777 (VCV003023777.6), dbSNP rs2142421975, ClinGen allele CA395132982.